The following is an entry in ClinVar:

NM_025114.4(CEP290):c.4257del (p.Asp1419fs)

Gene: CEP290 (centrosomal protein 290; minus strand). Cytogenetic location: 12q21.32.
Variant type: Deletion.
Coding change: c.4257del on transcript NM_025114.4 (MANE Select); coding-DNA position 4257, one base deleted (C; older notation c.4257delC).
Protein change: p.Asp1419fs; shifts the reading frame from aspartic acid 1419.
Molecular consequence: frameshift variant.
Genome position (GRCh38, 1-based): chr12:88,086,436, G deleted on the plus strand (C on the coding strand, the reverse complement: CEP290 is on the minus strand). VCF-style (leftmost placement, unchanged base first): chr12-88086435-TG-T. GRCh37 (hg19) VCF-style: chr12-88480212-TG-T.
Other names: short protein forms D1419fs.
Identifiers: ClinVar variation 4064233 (VCV004064233.2).

ClinVar aggregate classification (germline): Likely pathogenic (1 of 4 stars; one submission).

Conditions:
Leber congenital amaurosis (LCA). Also called: Leber's amaurosis. Identifiers: Orphanet 65, MedGen C0339527, MeSH D057130, MONDO:0018998.

Submission:

Natera, Inc.
Classification: Likely pathogenic for Leber congenital amaurosis. Last evaluated: 2025-05-09. Review status: criteria provided, single submitter. Criteria: Natera Variant Classification Schema (03/2026). Collection method: clinical testing. Allele origin: germline.
Comment: The c.4257del variant in CEP290 is a frameshift variant predicted to shift the reading frame beginning at codon 1419 and leads to a stop codon 11 codons downstream. This variant is expected to result in nonsense mediated decay, truncation, or a dysfunctional protein product. This variant is rare in the general population with a frequency below the threshold expected for the associated phenotype(s). Given the available evidence, this variant is classified as Likely Pathogenic.